The following is an entry in ClinVar:

ClinVar aggregate classification (germline): Likely benign (1 of 4 stars; one submission).

Submission:

CeGaT Center for Human Genetics Tuebingen
Classification: Likely benign. Last evaluated: 2023-04-01. Review status: criteria provided, single submitter. Criteria: CeGaT Center For Human Genetics Tuebingen Variant Classification Criteria Version 2. Collection method: clinical testing. Allele origin: germline. Affected: yes. Observed: 3 variant alleles.
Comment: NKX2-1: BS1

NM_001079668.3(NKX2-1):c.*184_*186C[6]ACCC[1]

Genes: NKX2-1 (NK2 homeobox 1; minus strand), SFTA3 (surfactant associated 3; minus strand). Cytogenetic location: 14q13.3.
Variant type: Insertion.
Coding change: c.*184_*186C[6]ACCC[1] on transcript NM_001079668.3 (MANE Select).
Molecular consequence: 3 prime UTR variant.
Genome position: GRCh38 VCF-style: chr14-36517091-A-AGGGTGGG. GRCh37 (hg19) VCF-style: chr14-36986296-A-AGGGTGGG.
Other names: c.*184_*186C[6]ACCC[1] (NM_003317.4).
Identifiers: ClinVar variation 2570877 (VCV002570877.27), dbSNP rs141117763, ClinGen allele CA613804686.
Genomic context (GRCh38, chr14:36,517,091, plus strand): 5'-ATTGGATGCGCTTGGTTGTTTTTCATTTTCTTTTTTTAAAAAAAAAAACCCACAAATTTT[A>AGGGTGGG]GGGGGGGAAAAAAAGAAAGACGTCCAGCAGTTTGGCCTTTGTGGTTTTTTTGTTCCTTGG-3'